The following is an entry in ClinVar:

ClinVar aggregate classification (germline): Conflicting classifications of pathogenicity. Review status: criteria provided, conflicting classifications (1 of 4 stars). 3 submissions from 3 submitters: Uncertain significance (2); Likely benign (1). Last evaluated 2025-09-23.

Conditions:
Cardiovascular phenotype. Identifiers: MedGen CN230736.
Long QT syndrome (LQTS). Identifiers: MedGen C0023976, MeSH D008133, MONDO:0002442. Disease mechanism: loss of function. Inheritance: Various modes of inheritance.
Long QT syndrome 11 (LQT11). Identifiers: Orphanet 101016, Orphanet 768, MedGen C2678483, MONDO:0012738, OMIM 611820.

Allele frequency attached by ClinVar (database versions not stated): gnomAD exomes 0.00001 and 0.00002; ExAC 0.00002; gnomAD 0.00002; TOPMed 0.00008.
gnomAD v4.1: 38 of 1,613,996 alleles (0.0024%); highest among the groups gnomAD compares: African/African-American, 0.008%; no homozygotes.

Submissions (3):

Labcorp Genetics (formerly Invitae), Labcorp
Classification: Uncertain significance for Long QT syndrome. Last evaluated: 2025-09-23. Review status: criteria provided, single submitter. Criteria: Invitae Variant Classification Sherloc (09022015). Collection method: clinical testing. Allele origin: germline.
Comment: This sequence change replaces methionine, which is neutral and non-polar, with valine, which is neutral and non-polar, at codon 2372 of the AKAP9 protein (p.Met2372Val). This variant is present in population databases (rs773105182, gnomAD 0.02%). This variant has not been reported in the literature in individuals affected with AKAP9-related conditions. ClinVar contains an entry for this variant (Variation ID: 1052653). An algorithm developed to predict the effect of missense changes on protein structure and function outputs the following: PolyPhen-2: "Benign". The valine amino acid residue is found in multiple mammalian species, which suggests that this missense change does not adversely affect protein function. In summary, the available evidence is currently insufficient to determine the role of this variant in disease. Therefore, it has been classified as a Variant of Uncertain Significance.

Fulgent Genetics
Classification: Uncertain significance for Long QT syndrome 11. Last evaluated: 2021-09-20. Review status: criteria provided, single submitter. Criteria: ACMG Guidelines, 2015. Collection method: clinical testing. Allele origin: unknown.

Ambry Genetics
Classification: Likely benign for Cardiovascular phenotype. Last evaluated: 2021-05-20. Review status: criteria provided, single submitter. Criteria: Ambry Variant Classification Scheme 2023. Collection method: clinical testing. Allele origin: germline.

NM_005751.5(AKAP9):c.7114A>G (p.Met2372Val)

Gene: AKAP9 (A-kinase anchoring protein 9; plus strand). Cytogenetic location: 7q21.2.
Variant type: single nucleotide variant.
Coding change: c.7114A>G on transcript NM_005751.5 (MANE Select); coding-DNA position 7114, A replaced by G.
Protein change: p.Met2372Val; replaces methionine 2372 with valine.
Molecular consequence: missense variant.
Genome position (GRCh38, 1-based): chr7:92,079,247, A>G. VCF-style: chr7-92079247-A-G. GRCh37 (hg19) VCF-style: chr7-91708561-A-G.
Other names: c.1759A>G, p.Met587Val (NM_001379277.1); c.7090A>G, p.Met2364Val (NM_147185.3); short protein forms M2364V, M2372V, M587V.
Identifiers: ClinVar variation 1052653 (VCV001052653.10), dbSNP rs773105182, ClinGen allele CA4337233.